The following is an entry in ClinVar:

NM_001079843.3(CASZ1):c.947T>C (p.Ile316Thr)

Gene: CASZ1 (castor zinc finger 1; minus strand). Cytogenetic location: 1p36.22.
Variant type: single nucleotide variant.
Coding change: c.947T>C on transcript NM_001079843.3 (MANE Select); coding-DNA position 947, T replaced by C.
Protein change: p.Ile316Thr; replaces isoleucine 316 with threonine.
Molecular consequence: missense variant.
Genome position (GRCh38, 1-based): chr1:10,660,095, A>G on the plus strand (T>C on the coding strand, the complement: CASZ1 is on the minus strand). VCF-style: chr1-10660095-A-G. GRCh37 (hg19) VCF-style: chr1-10720152-A-G.
Other names: c.947T>C, p.Ile316Thr (NM_017766.5); short protein forms I316T.
Identifiers: ClinVar variation 4088190 (VCV004088190.1).
Genomic context (GRCh38, chr1:10,660,095, plus strand): 5'-GGCTTCTTGTAGGTGCTCCCGTTCTGGGGCCGCAGATTCTCGCCGGTCTTCAGTTTTTGG[A>G]TGAAGAAGTCGTACTTGGAGGCCCGGGCTACCAGGTTCTGCATCTGGACACTGCTGTGCG-3'
Protein context (NP_001073312.1, residues 306-326): VARASKYDFF[Ile316Thr]QKLKTGENLR

ClinVar aggregate classification (germline): Uncertain significance (1 of 4 stars; one submission).

Submission:

GeneDx
Classification: Uncertain significance. Last evaluated: 2025-03-28. Review status: criteria provided, single submitter. Criteria: GeneDx Variant Classification Process June 2021. Collection method: clinical testing. Allele origin: germline. Affected: yes.
Comment: Not observed at significant frequency in large population cohorts (gnomAD); In silico analysis indicates that this missense variant does not alter protein structure/function; Has not been previously published as pathogenic or benign to our knowledge